The following is an entry in ClinVar:

NM_001165963.4(SCN1A):c.580G>T (p.Asp194Tyr)

Gene: SCN1A (sodium voltage-gated channel alpha subunit 1; minus strand). Cytogenetic location: 2q24.3.
Variant type: single nucleotide variant.
Coding change: c.580G>T on transcript NM_001165963.4 (MANE Select); coding-DNA position 580, G replaced by T.
Protein change: p.Asp194Tyr; replaces aspartic acid 194 with tyrosine.
Molecular consequence: missense variant. On other transcripts: 5 prime UTR variant (1), non-coding transcript variant (1).
Genome position (GRCh38, 1-based): chr2:166,054,660, C>A on the plus strand (G>T on the coding strand, the complement: SCN1A is on the minus strand). VCF-style: chr2-166054660-C-A. GRCh37 (hg19) VCF-style: chr2-166911170-C-A.
Other names: c.580G>T, p.Asp194Tyr (NM_001165964.3, NM_001202435.3, NM_001353948.2 and 10 more transcripts); c.-1846G>T (NM_001353961.2); short protein forms D194Y.
Identifiers: ClinVar variation 461284 (VCV000461284.10), dbSNP rs121917935, ClinGen allele CA349075328.
Genomic context (GRCh38, chr2:166,054,660, plus strand): 5'-ACTATGTTCTCTCTTAAAGTTTCAAAAAAGGCACTTACGCAAATGTAATGACAGTGAAAT[C>A]GAGCCAGTTCCATGGATCCCGAAGGAAAGTAAAATCTTCTAAACAGAATCCCCTTGCAAT-3'
Protein context (NP_001159435.1, residues 184-204): TFLRDPWNWL[Asp194Tyr]FTVITFAYVT

ClinVar aggregate classification (germline): Pathogenic/Likely pathogenic. Review status: criteria provided, multiple submitters, no conflicts (2 of 4 stars). 2 submissions from 2 submitters: Pathogenic (1); Likely pathogenic (1). Last evaluated 2022-10-19.

Conditions:
Early-infantile DEE. Also called: Early infantile epileptic encephalopathy; Early infantile epileptic encephalopathy with suppression bursts; Ohtahara syndrome. Identifiers: Orphanet 1934, MedGen C0393706, MONDO:0800491.
SCN1A-related disorder. Also called: SCN1A-related conditions; SCN1A-related condition; SCN1A-related disorders.

Submissions (2):

Blueprint Genetics
Classification: Likely pathogenic for SCN1A-related disorders. Last evaluated: 2022-10-19. Review status: criteria provided, single submitter. Criteria: ACMG Guidelines, 2015. Collection method: clinical testing. Allele origin: germline. Affected: yes. Observed: 1 variant allele.

Labcorp Genetics (formerly Invitae), Labcorp
Classification: Pathogenic for Early-infantile DEE. Last evaluated: 2017-10-11. Review status: criteria provided, single submitter. Criteria: Invitae Variant Classification Sherloc (09022015). Collection method: clinical testing. Allele origin: germline.
Comment: This sequence change replaces aspartic acid with tyrosine at codon 194 of the SCN1A protein (p.Asp194Tyr). The aspartic acid residue is highly conserved and there is a large physicochemical difference between aspartic acid and tyrosine. This variant is not present in population databases (ExAC no frequency). Algorithms developed to predict the effect of missense changes on protein structure and function (SIFT, PolyPhen-2, Align-GVGD) all suggest that this variant is likely to be disruptive, but these predictions have not been confirmed by published functional studies and their clinical significance is uncertain. A different missense substitution at this codon (p.Asp194Asn) has been determined to be pathogenic (PMID: 17054684, 20562086). This suggests that the aspartic acid residue is critical for SCN1A protein function and that other missense substitutions at this position may also be pathogenic. For these reasons, this variant has been classified as Pathogenic.

Literature cited by the submitters: PubMed 17054684 (cited by Labcorp Genetics (formerly Invitae), Labcorp); PubMed 20562086 (cited by Labcorp Genetics (formerly Invitae), Labcorp).